The following is an entry in ClinVar:

ClinVar aggregate classification (germline): Uncertain significance (1 of 4 stars; one submission).

Conditions:
KCNQ1OT1-related disorder. Also called: KCNQ1OT1-related condition.

Submission:

PreventionGenetics, part of Exact Sciences
Classification: Uncertain significance for KCNQ1OT1-related condition. Last evaluated: 2022-11-02. Review status: criteria provided, single submitter. Criteria: ACMG Guidelines, 2015. Collection method: clinical testing. Allele origin: germline.
Comment: The KCNQ1OT1 n.78017dupA variant is predicted to result in an in-frame duplication (Non-Coding). To our knowledge, this variant has not been reported in the literature or in a large population database, indicating this variant is rare. At this time, the clinical significance of this variant is uncertain due to the absence of conclusive functional and genetic evidence.

NR_002728.4(KCNQ1OT1):n.78013dup

Genes: KCNQ1 (potassium voltage-gated channel subfamily Q member 1; plus strand), KCNQ1OT1 (KCNQ1 opposite strand/antisense transcript 1; minus strand). Cytogenetic location: 11p15.5.
Variant type: Duplication.
Molecular consequence: non-coding transcript variant (on NR_002728.4). On other transcripts: intron variant (5).
Genome position: GRCh38 VCF-style: chr11-2621981-C-CT. GRCh37 (hg19) VCF-style: chr11-2643211-C-CT.
Other names: c.1123+33133dup (NM_001406837.1); c.1393+33133dup (NM_000218.3); c.1297+33133dup (NM_001406836.1); c.853+33133dup (NM_001406838.1); c.1012+33133dup (NM_181798.2).
Identifiers: ClinVar variation 2635595 (VCV002635595.1), dbSNP rs1292783689, ClinGen allele CA675035360.
Genomic context (GRCh38, chr11:2,621,981, plus strand): 5'-GTTTGTTCTTCTTTTTCTAATTCCTTGAGGTACAATTTTGGGCTATTTGAAATATCTCTT[C>CT]TTTTTTAATGTAGGCAAGGCATTTATTGCTGTAAACTTCCCTCTTAGAACTGCTTTTGCT-3'